The following is an entry in ClinVar:

ClinVar aggregate classification (germline): Uncertain significance. Review status: criteria provided, multiple submitters, no conflicts (2 of 4 stars). 2 submissions from 2 submitters: Uncertain significance (2). Last evaluated 2025-05-28.

Conditions:
RFT1-congenital disorder of glycosylation (CDG1N). Also called: RFT1-CDG; Congenital disorder of glycosylation type In; CDG In. Identifiers: Orphanet 244310, MedGen C2677590, MONDO:0012783, OMIM 612015.
Inborn genetic diseases. Identifiers: MedGen C0950123, MeSH D030342.

Allele frequency attached by ClinVar (database versions not stated): gnomAD exomes 0.00003; ExAC 0.00005; TOPMed 0.00005; gnomAD 0.00006 and 0.00007.
gnomAD v4.1: 59 of 1,601,790 alleles (0.0037%); highest among the groups gnomAD compares: African/African-American, 0.044%; no homozygotes.

Submissions (2):

Ambry Genetics
Classification: Uncertain significance for Inborn genetic diseases. Last evaluated: 2025-05-28. Review status: criteria provided, single submitter. Criteria: Ambry Variant Classification Scheme 2023. Collection method: clinical testing. Allele origin: germline.

Labcorp Genetics (formerly Invitae), Labcorp
Classification: Uncertain significance for RFT1-congenital disorder of glycosylation. Last evaluated: 2023-10-15. Review status: criteria provided, single submitter. Criteria: Invitae Variant Classification Sherloc (09022015). Collection method: clinical testing. Allele origin: germline.
Comment: This sequence change replaces alanine, which is neutral and non-polar, with serine, which is neutral and polar, at codon 483 of the RFT1 protein (p.Ala483Ser). This variant is present in population databases (rs549199208, gnomAD 0.03%). This variant has not been reported in the literature in individuals affected with RFT1-related conditions. ClinVar contains an entry for this variant (Variation ID: 1444156). Advanced modeling of protein sequence and biophysical properties (such as structural, functional, and spatial information, amino acid conservation, physicochemical variation, residue mobility, and thermodynamic stability) performed at Invitae indicates that this missense variant is not expected to disrupt RFT1 protein function. In summary, the available evidence is currently insufficient to determine the role of this variant in disease. Therefore, it has been classified as a Variant of Uncertain Significance.

NM_052859.4(RFT1):c.1447G>T (p.Ala483Ser)

Gene: RFT1 (RFT1 glycolipid translocator homolog; minus strand). Cytogenetic location: 3p21.1.
Variant type: single nucleotide variant.
Coding change: c.1447G>T on transcript NM_052859.4 (MANE Select); coding-DNA position 1447, G replaced by T.
Protein change: p.Ala483Ser; replaces alanine 483 with serine.
Molecular consequence: missense variant.
Genome position (GRCh38, 1-based): chr3:53,092,380, C>A on the plus strand (G>T on the coding strand, the complement: RFT1 is on the minus strand). VCF-style: chr3-53092380-C-A. GRCh37 (hg19) VCF-style: chr3-53126396-C-A.
Other names: c.1447G>T (NM_052859.3); short protein forms A483S.
Identifiers: ClinVar variation 1444156 (VCV001444156.9), dbSNP rs549199208, ClinGen allele CA2451153.